The following is an entry in ClinVar:

ClinVar aggregate classification (germline): Benign/Likely benign. Review status: criteria provided, multiple submitters, no conflicts (2 of 4 stars). 4 submissions from 4 submitters: Benign (1); Likely benign (2). 1 of the submissions does not count toward it. Last evaluated 2024-09-18.

Conditions:
Prostate cancer, hereditary, 9 (HPC9). Identifiers: Orphanet 1331, MedGen C1970250, MONDO:0012597, OMIM 610997.
Hereditary cancer-predisposing syndrome. Also called: Neoplastic Syndromes, Hereditary; Tumor predisposition; Hereditary neoplastic syndrome; Hereditary Cancer Syndrome. Identifiers: Orphanet 140162, MedGen C0027672, MeSH D009386, MONDO:0015356.
Prostate cancer, hereditary, 1 (HPC1). Identifiers: Orphanet 1331, MedGen C4722327, MONDO:0011098, OMIM 601518.

Allele frequency attached by ClinVar (database versions not stated): gnomAD exomes below 0.00001; TOPMed below 0.00001.
gnomAD v4.1: 2 of 1,614,196 alleles (0.00012%); highest among the groups gnomAD compares: Non-Finnish European, 0.00017%; no homozygotes.

Submissions (4):

Labcorp Genetics (formerly Invitae), Labcorp
Classification: Likely benign. Last evaluated: 2024-09-18. Review status: criteria provided, single submitter. Criteria: Invitae Variant Classification Sherloc (09022015). Collection method: clinical testing. Allele origin: germline.

Myriad Genetics, Inc.
Classification: Benign for Prostate cancer, hereditary, 9. Last evaluated: 2023-04-05. Review status: criteria provided, single submitter. Criteria: Myriad Autosomal Dominant, Autosomal Recessive and X-Linked Classification Criteria (2023). Collection method: clinical testing. Allele origin: unknown.
Comment: This variant is considered benign. This variant is a silent/synonymous amino acid change and it is not expected to impact splicing.

Ambry Genetics
Classification: Likely benign for Hereditary cancer-predisposing syndrome. Last evaluated: 2020-06-18. Review status: criteria provided, single submitter. Criteria: Ambry Variant Classification Scheme 2023. Collection method: clinical testing. Allele origin: germline.

Laboratory of Virology, Microbiology,  Quality and Medical Biotechnologies, Faculty of Sciences and Techniques - Mohammedia, Hassan II University of Casablanca
Classification: Uncertain significance for Prostate cancer, hereditary, 1. Review status: no assertion criteria provided. Collection method: clinical testing. Allele origin: somatic. Affected: yes. Not counted in ClinVar's aggregate classification.

NM_006361.6(HOXB13):c.459T>G (p.Gly153=)

Gene: HOXB13 (homeobox B13; minus strand). Cytogenetic location: 17q21.32.
Variant type: single nucleotide variant.
Coding change: c.459T>G on transcript NM_006361.6 (MANE Select); coding-DNA position 459, T replaced by G.
Protein change: p.Gly153=; no amino-acid change (glycine 153 retained).
Molecular consequence: synonymous variant.
Genome position (GRCh38, 1-based): chr17:48,728,135, A>C on the plus strand (T>G on the coding strand, the complement: HOXB13 is on the minus strand). VCF-style: chr17-48728135-A-C. GRCh37 (hg19) VCF-style: chr17-46805497-A-C.
Identifiers: ClinVar variation 690775 (VCV000690775.9), dbSNP rs1597934161, ClinGen allele CA500660884.